The following is an entry in ClinVar:

NM_001289104.2(PRKCSH):c.336T>A (p.Cys112Ter)

Gene: PRKCSH (PRKCSH beta subunit of glucosidase II; plus strand). Cytogenetic location: 19p13.2.
Variant type: single nucleotide variant.
Coding change: c.336T>A on transcript NM_001289104.2 (MANE Select); coding-DNA position 336, T replaced by A.
Protein change: p.Cys112Ter; replaces cysteine 112 with a stop codon.
Molecular consequence: nonsense.
Genome position (GRCh38, 1-based): chr19:11,438,110, T>A. VCF-style: chr19-11438110-T-A. GRCh37 (hg19) VCF-style: chr19-11548931-T-A.
Other names: c.336T>A, p.Cys112Ter (NM_001001329.3, NM_001289102.2, NM_001289103.2 and 3 more transcripts); short protein forms C112*.
Identifiers: ClinVar variation 5005923 (VCV005005923.2).

ClinVar aggregate classification (germline): Likely pathogenic (1 of 4 stars; one submission).

Conditions:
Polycystic liver disease 1 (PCLD1). Also called: Polycystic liver disease 1 with or without kidney cysts. Identifiers: Orphanet 2924, MedGen C0887850, MONDO:0008265, OMIM 174050.

Submission:

Juno Genomics, Hangzhou Juno Genomics, Inc
Classification: Likely pathogenic for Polycystic liver disease 1. Review status: criteria provided, single submitter. Criteria: ACMG Guidelines, 2015. Collection method: clinical testing. Allele origin: germline.
Comment: Null variant in a gene where loss of function (LOF) is a known mechanism of disease.;Absent from controls (or at extremely low frequency if recessive) in Genome Aggregation Database.